The following is an entry in ClinVar:

NM_018489.3(ASH1L):c.5587T>G (p.Ser1863Ala)

Gene: ASH1L (ASH1 like histone lysine methyltransferase; minus strand). Cytogenetic location: 1q22.
Variant type: single nucleotide variant.
Coding change: c.5587T>G on transcript NM_018489.3 (MANE Select); coding-DNA position 5587, T replaced by G.
Protein change: p.Ser1863Ala; replaces serine 1863 with alanine.
Molecular consequence: missense variant.
Genome position (GRCh38, 1-based): chr1:155,438,568, A>C on the plus strand (T>G on the coding strand, the complement: ASH1L is on the minus strand). VCF-style: chr1-155438568-A-C. GRCh37 (hg19) VCF-style: chr1-155408359-A-C.
Other names: c.5587T>G, p.Ser1863Ala (NM_001366177.2); short protein forms S1863A.
Identifiers: ClinVar variation 5020994 (VCV005020994.1).

ClinVar aggregate classification (germline): Uncertain significance (1 of 4 stars; one submission).

Submission:

Dasa
Classification: Uncertain significance. Last evaluated: 2025-02-21. Review status: criteria provided, single submitter. Criteria: DASA Assertion Criteria. Collection method: clinical testing. Allele origin: germline.
Comment: NM_018489.3(ASH1L):c.5587T>G (p.Ser1863Ala) is a missense variant that results in the substitution of serine with alanine. This variant is absent from population databases. Computational prediction algorithms are consistent with a benign effect. The currently available literature and clinical evidence are not sufficient to establish a definitive association between this variant and the reported condition. Therefore, this variant is classified as a variant of uncertain significance.